The following is an entry in ClinVar:

ClinVar aggregate classification (germline): Likely benign. Review status: criteria provided, single submitter (1 of 4 stars). 2 submissions from 2 submitters: Likely benign (1). 1 of the submissions does not count toward it. Last evaluated 2024-04-26.

Conditions:
PKD1-related disorder. Also called: PKD1-related condition.

Allele frequency attached by ClinVar (database versions not stated): gnomAD 0.00002; TOPMed 0.00002; ExAC 0.00005; gnomAD exomes 0.00006.
gnomAD v4.1: 81 of 1,610,434 alleles (0.005%); highest among the groups gnomAD compares: Non-Finnish European, 0.0068%; no homozygotes.

Submissions (2):

Blueprint Genetics
Classification: Likely benign. Last evaluated: 2024-04-26. Review status: criteria provided, single submitter. Criteria: ACMG Guidelines, 2015. Collection method: clinical testing. Allele origin: germline.

PreventionGenetics, part of Exact Sciences
Classification: Likely benign for PKD1-related condition. Last evaluated: 2023-02-03. Review status: no assertion criteria provided. Collection method: clinical testing. Allele origin: germline. Not counted in ClinVar's aggregate classification.
Comment: This variant is classified as likely benign based on ACMG/AMP sequence variant interpretation guidelines (Richards et al. 2015 PMID: 25741868, with internal and published modifications).

NM_001009944.3(PKD1):c.5272C>T (p.Leu1758=)

Gene: PKD1 (polycystin 1, transient receptor potential channel interacting; minus strand). Cytogenetic location: 16p13.3.
Variant type: single nucleotide variant.
Coding change: c.5272C>T on transcript NM_001009944.3 (MANE Select); coding-DNA position 5272, C replaced by T.
Protein change: p.Leu1758=; no amino-acid change (leucine 1758 retained).
Molecular consequence: synonymous variant.
Genome position (GRCh38, 1-based): chr16:2,109,895, G>A on the plus strand (C>T on the coding strand, the complement: PKD1 is on the minus strand). VCF-style: chr16-2109895-G-A. GRCh37 (hg19) VCF-style: chr16-2159896-G-A.
Other names: c.5272C>T, p.Leu1758= (NM_000296.4).
Identifiers: ClinVar variation 3029229 (VCV003029229.3), dbSNP rs746568609, ClinGen allele CA7832052.